The following is an entry in ClinVar:

NM_005188.4(CBL):c.136C>T (p.His46Tyr)

Genes: CBL (Cbl proto-oncogene; plus strand), LOC130006895 (ATAC-STARR-seq lymphoblastoid silent region 3975; plus strand). Cytogenetic location: 11q23.3.
Variant type: single nucleotide variant.
Coding change: c.136C>T on transcript NM_005188.4 (MANE Select); coding-DNA position 136, C replaced by T.
Protein change: p.His46Tyr; replaces histidine 46 with tyrosine.
Molecular consequence: missense variant.
Genome position (GRCh38, 1-based): chr11:119,206,553, C>T. VCF-style: chr11-119206553-C-T. GRCh37 (hg19) VCF-style: chr11-119077263-C-T.
Other names: c.136C>T (NM_005188.2); short protein forms H46Y.
Identifiers: ClinVar variation 2041560 (VCV002041560.8), dbSNP rs1028757126, ClinGen allele CA229653748.
Genomic context (GRCh38, chr11:119,206,553, plus strand): 5'-ATTGGGCTCATGAAGGACGCCTTCCAGCCGCACCACCACCACCACCACCACCTCAGCCCC[C>T]ACCCGCCGGGGACGGTGGACAAGAAGATGGTGGAGAAGTGCTGGAAGCTCATGGACAAGG-3'
Protein context (NP_005179.2, residues 36-56): HHHHHHHLSP[His46Tyr]PPGTVDKKMV

ClinVar aggregate classification (germline): Uncertain significance. Review status: criteria provided, multiple submitters, no conflicts (2 of 4 stars). 3 submissions from 3 submitters: Uncertain significance (3). Last evaluated 2026-01-07.

Conditions:
RASopathy. Also called: rasopathies; Noonan spectrum disorder. Identifiers: Orphanet 536391, MedGen C5555857, MONDO:0021060.
Cardiovascular phenotype. Identifiers: MedGen CN230736.

Allele frequency attached by ClinVar (database versions not stated): TOPMed below 0.00001.

Submissions (3):

Labcorp Genetics (formerly Invitae), Labcorp
Classification: Uncertain significance for RASopathy. Last evaluated: 2026-01-07. Review status: criteria provided, single submitter. Criteria: Invitae Variant Classification Sherloc (09022015). Collection method: clinical testing. Allele origin: germline.
Comment: This sequence change replaces histidine, which is basic and polar, with tyrosine, which is neutral and polar, at codon 46 of the CBL protein (p.His46Tyr). This variant is not present in population databases (gnomAD no frequency). This variant has not been reported in the literature in individuals affected with CBL-related conditions. ClinVar contains an entry for this variant (Variation ID: 2041560). Invitae Evidence Modeling of protein sequence and biophysical properties (such as structural, functional, and spatial information, amino acid conservation, physicochemical variation, residue mobility, and thermodynamic stability) indicates that this missense variant is not expected to disrupt CBL protein function with a negative predictive value of 95%. In summary, the available evidence is currently insufficient to determine the role of this variant in disease. Therefore, it has been classified as a Variant of Uncertain Significance.

Ambry Genetics
Classification: Uncertain significance for Cardiovascular phenotype. Last evaluated: 2024-12-16. Review status: criteria provided, single submitter. Criteria: Ambry Variant Classification Scheme 2023. Collection method: clinical testing. Allele origin: germline.
Comment: The p.H46Y variant (also known as c.136C>T), located in coding exon 1 of the CBL gene, results from a C to T substitution at nucleotide position 136. The histidine at codon 46 is replaced by tyrosine, an amino acid with similar properties. This amino acid position is conserved. In addition, the in silico prediction for this alteration is inconclusive. Based on the available evidence, the clinical significance of this variant remains unclear.

Revvity Omics, Revvity
Classification: Uncertain significance. Last evaluated: 2021-12-13. Review status: criteria provided, single submitter. Criteria: ACMG Guidelines, 2015. Collection method: clinical testing. Allele origin: germline.